The following is an entry in ClinVar:

ClinVar aggregate classification (germline): Uncertain significance (1 of 4 stars; one submission).

Submission:

Ambry Genetics
Classification: Uncertain significance. Last evaluated: 2022-07-01. Review status: criteria provided, single submitter. Criteria: Ambry Variant Classification Scheme 2023. Collection method: clinical testing. Allele origin: germline.
Comment: The p.N348S variant (also known as c.1043A>G), located in coding exon 7 of the IDH1 gene, results from an A to G substitution at nucleotide position 1043. The asparagine at codon 348 is replaced by serine, an amino acid with highly similar properties. This amino acid position is conserved. In addition, this alteration is predicted to be tolerated by in silico analysis. Since supporting evidence is limited at this time, the clinical significance of this alteration remains unclear.

NM_005896.4(IDH1):c.1043A>G (p.Asn348Ser)

Gene: IDH1 (isocitrate dehydrogenase (NADP(+)) 1; minus strand). Cytogenetic location: 2q34.
Variant type: single nucleotide variant.
Coding change: c.1043A>G on transcript NM_005896.4 (MANE Select); coding-DNA position 1043, A replaced by G.
Protein change: p.Asn348Ser; replaces asparagine 348 with serine.
Molecular consequence: missense variant.
Genome position (GRCh38, 1-based): chr2:208,239,182, T>C on the plus strand (A>G on the coding strand, the complement: IDH1 is on the minus strand). VCF-style: chr2-208239182-T-C. GRCh37 (hg19) VCF-style: chr2-209103906-T-C.
Other names: c.1043A>G, p.Asn348Ser (NM_001282386.1, NM_001282387.1); short protein forms N348S.
Identifiers: ClinVar variation 1774675 (VCV001774675.2), dbSNP rs2124847593, ClinGen allele CA350094643.
Genomic context (GRCh38, chr2:208,239,182, plus strand): 5'-TCAATTGTCTCAATAGAGACTTCTTCCAAAGCATTTGCAAAGAAGGCAAGCTCTTTATTG[T>C]TATCAAGCTTTGCTCTGTGGGCTAACCCTCTGGTCCAGGCAAAAATGGAAGCTAAAAGAG-3'
Protein context (NP_005887.2, residues 338-358): RGLAHRAKLD[Asn348Ser]NKELAFFANA